The following is an entry in ClinVar:

ClinVar aggregate classification (germline): Uncertain significance (1 of 4 stars; one submission).

Conditions:
Early-infantile DEE. Also called: Early infantile epileptic encephalopathy; Early infantile epileptic encephalopathy with suppression bursts; Ohtahara syndrome. Identifiers: Orphanet 1934, MedGen C0393706, MONDO:0800491.

gnomAD v4.1: 1 of 1,614,106 alleles (0.000062%); highest among the groups gnomAD compares: Middle Eastern, 0.017%; no homozygotes.

Submission:

Labcorp Genetics (formerly Invitae), Labcorp
Classification: Uncertain significance for Early-infantile DEE. Last evaluated: 2022-08-15. Review status: criteria provided, single submitter. Criteria: Invitae Variant Classification Sherloc (09022015). Collection method: clinical testing. Allele origin: germline.
Comment: This sequence change replaces lysine, which is basic and polar, with glutamic acid, which is acidic and polar, at codon 1417 of the SPTAN1 protein (p.Lys1417Glu). This variant is not present in population databases (gnomAD no frequency). In summary, the available evidence is currently insufficient to determine the role of this variant in disease. Therefore, it has been classified as a Variant of Uncertain Significance. Algorithms developed to predict the effect of missense changes on protein structure and function (SIFT, PolyPhen-2, Align-GVGD) all suggest that this variant is likely to be tolerated. ClinVar contains an entry for this variant (Variation ID: 1346027). This variant has not been reported in the literature in individuals affected with SPTAN1-related conditions.

NM_001130438.3(SPTAN1):c.4249A>G (p.Lys1417Glu)

Gene: SPTAN1 (spectrin alpha, non-erythrocytic 1; plus strand). Cytogenetic location: 9q34.11.
Variant type: single nucleotide variant.
Coding change: c.4249A>G on transcript NM_001130438.3 (MANE Select); coding-DNA position 4249, A replaced by G.
Protein change: p.Lys1417Glu; replaces lysine 1417 with glutamic acid.
Molecular consequence: missense variant.
Genome position (GRCh38, 1-based): chr9:128,607,954, A>G. VCF-style: chr9-128607954-A-G. GRCh37 (hg19) VCF-style: chr9-131370233-A-G.
Other names: c.4189A>G, p.Lys1397Glu (NM_001195532.2, NM_001363765.2, NM_001375314.2); c.4249A>G, p.Lys1417Glu (NM_001363759.2, NM_001375310.1, NM_001375311.2 and 2 more transcripts); c.4285A>G, p.Lys1429Glu (NM_001375312.2, NM_001375318.1); short protein forms K1429E, K1397E, K1417E.
Identifiers: ClinVar variation 1346027 (VCV001346027.9), dbSNP rs2131617226, ClinGen allele CA375066560.